The following is an entry in ClinVar:

NM_001853.4(COL9A3):c.93_110del (p.33PPG[1])

Gene: COL9A3 (collagen type IX alpha 3 chain; plus strand). Cytogenetic location: 20q13.33.
Variant type: Deletion.
Coding change: c.93_110del on transcript NM_001853.4 (MANE Select); coding-DNA positions 93 to 110, 18 bases deleted (CGGCCCCCCCGGCCCCCC).
Protein change: p.33PPG[1].
Molecular consequence: inframe deletion.
Genome position (GRCh38, 1-based): chr20:62,817,581-62,817,598, CGGCCCCCCCGGCCCCCC deleted; deleting any 18 consecutive bases within chr20:62,817,578-62,817,598 gives the same sequence; the c. name uses the placement nearest the transcript's 3' end. VCF-style (leftmost placement, unchanged base first): chr20-62817577-TCCCCGGCCCCCCCGGCCC-T. GRCh37 (hg19) VCF-style: chr20-61448929-TCCCCGGCCCCCCCGGCCC-T.
Identifiers: ClinVar variation 1899452 (VCV001899452.6), dbSNP rs544133282, ClinGen allele CA746372011.

ClinVar aggregate classification (germline): Uncertain significance. Review status: criteria provided, multiple submitters, no conflicts (2 of 4 stars). 2 submissions from 2 submitters: Uncertain significance (2). Last evaluated 2025-08-11.

Submissions (2):

Labcorp Genetics (formerly Invitae), Labcorp
Classification: Uncertain significance. Last evaluated: 2025-08-11. Review status: criteria provided, single submitter. Criteria: Invitae Variant Classification Sherloc (09022015). Collection method: clinical testing. Allele origin: germline.
Comment: This variant, c.93_110del, results in the deletion of 6 amino acid(s) of the COL9A3 protein (p.Pro36_Gly41del), but otherwise preserves the integrity of the reading frame. This variant is not present in population databases (gnomAD no frequency). This variant has not been reported in the literature in individuals affected with COL9A3-related conditions. ClinVar contains an entry for this variant (Variation ID: 1899452). Experimental studies and prediction algorithms are not available or were not evaluated, and the functional significance of this variant is currently unknown. In summary, the available evidence is currently insufficient to determine the role of this variant in disease. Therefore, it has been classified as a Variant of Uncertain Significance.

Blueprint Genetics
Classification: Uncertain significance. Last evaluated: 2024-06-26. Review status: criteria provided, single submitter. Criteria: ACMG Guidelines, 2015. Collection method: clinical testing. Allele origin: germline.